The following is an entry in ClinVar:

NM_021101.5(CLDN1):c.464T>C (p.Val155Ala)

Genes: CLDN1 (claudin 1; minus strand), CLDN16 (claudin 16; plus strand). Cytogenetic location: 3q28.
Variant type: single nucleotide variant.
Coding change: c.464T>C on transcript NM_021101.5 (MANE Select); coding-DNA position 464, T replaced by C.
Protein change: p.Val155Ala; replaces valine 155 with alanine.
Molecular consequence: missense variant. On other transcripts: intron variant (2).
Genome position (GRCh38, 1-based): chr3:190,310,178, A>G on the plus strand (T>C on the coding strand, the complement: CLDN1 is on the minus strand). VCF-style: chr3-190310178-A-G. GRCh37 (hg19) VCF-style: chr3-190027967-A-G.
Other names: c.-445-4715A>G (NM_001378492.1); c.-279+19587A>G (NM_001378493.1); short protein forms V155A.
Identifiers: ClinVar variation 1382003 (VCV001382003.10), dbSNP rs763674205, ClinGen allele CA2753531.

ClinVar aggregate classification (germline): Uncertain significance. Review status: criteria provided, multiple submitters, no conflicts (2 of 4 stars). 3 submissions from 3 submitters: Uncertain significance (2). 1 of the submissions does not count toward it. Last evaluated 2024-02-23.

Conditions:
CLDN1-related disorder. Also called: CLDN1-related condition.
Inborn genetic diseases. Identifiers: MedGen C0950123, MeSH D030342.

Allele frequency attached by ClinVar (database versions not stated): gnomAD 0.00004 and 0.00003; gnomAD exomes 0.00004 and 0.00006; ExAC 0.00007; TOPMed 0.00003.
gnomAD v4.1: 60 of 1,613,472 alleles (0.0037%); highest among the groups gnomAD compares: Middle Eastern, 0.016%; no homozygotes.

Submissions (3):

Labcorp Genetics (formerly Invitae), Labcorp
Classification: Uncertain significance. Last evaluated: 2024-02-23. Review status: criteria provided, single submitter. Criteria: Invitae Variant Classification Sherloc (09022015). Collection method: clinical testing. Allele origin: germline.
Comment: This sequence change replaces valine, which is neutral and non-polar, with alanine, which is neutral and non-polar, at codon 155 of the CLDN1 protein (p.Val155Ala). This variant is present in population databases (rs763674205, gnomAD 0.01%). This variant has not been reported in the literature in individuals affected with CLDN1-related conditions. ClinVar contains an entry for this variant (Variation ID: 1382003). An algorithm developed to predict the effect of missense changes on protein structure and function (PolyPhen-2) suggests that this variant is likely to be tolerated. In summary, the available evidence is currently insufficient to determine the role of this variant in disease. Therefore, it has been classified as a Variant of Uncertain Significance.

Ambry Genetics
Classification: Uncertain significance for Inborn genetic diseases. Last evaluated: 2022-06-06. Review status: criteria provided, single submitter. Criteria: Ambry Variant Classification Scheme 2023. Collection method: clinical testing. Allele origin: germline.

PreventionGenetics, part of Exact Sciences
Classification: Uncertain significance for CLDN1-related condition. Last evaluated: 2024-03-20. Review status: no assertion criteria provided. Collection method: clinical testing. Allele origin: germline. Not counted in ClinVar's aggregate classification.
Comment: The CLDN1 c.464T>C variant is predicted to result in the amino acid substitution p.Val155Ala. To our knowledge, this variant has not been reported in the literature. This variant is reported in 0.012% of alleles in individuals of European (Non-Finnish) descent in gnomAD. At this time, the clinical significance of this variant is uncertain due to the absence of conclusive functional and genetic evidence.